The following is an entry in ClinVar:

NM_133259.4(LRPPRC):c.1092_1095del (p.Glu366fs)

Gene: LRPPRC (leucine rich pentatricopeptide repeat containing; minus strand). Cytogenetic location: 2p21.
Variant type: Deletion.
Coding change: c.1092_1095del on transcript NM_133259.4 (MANE Select); coding-DNA positions 1092 to 1095, 4 bases deleted (AAAG; older notation c.1092_1095delAAAG).
Protein change: p.Glu366fs; shifts the reading frame from glutamic acid 366.
Molecular consequence: frameshift variant.
Genome position (GRCh38, 1-based): chr2:43,974,210-43,974,213, CTTT deleted on the plus strand (AAAG on the coding strand, the reverse complement: LRPPRC is on the minus strand). VCF-style (leftmost placement, unchanged base first): chr2-43974209-CCTTT-C. GRCh37 (hg19) VCF-style: chr2-44201348-CCTTT-C.
Other names: short protein forms E366fs.
Identifiers: ClinVar variation 1069138 (VCV001069138.8), dbSNP rs2103713116, ClinGen allele CA2499215957.

ClinVar aggregate classification (germline): Pathogenic/Likely pathogenic. Review status: criteria provided, multiple submitters, no conflicts (2 of 4 stars). 2 submissions from 2 submitters: Pathogenic (1); Likely pathogenic (1). Last evaluated 2023-08-09.

Conditions:
Congenital lactic acidosis, Saguenay-Lac-Saint-Jean type (MC4DN5). Also called: CYTOCHROME c OXIDASE DEFICIENCY, FRENCH CANADIAN TYPE; COX DEFICIENCY, FRENCH CANADIAN TYPE; MITOCHONDRIAL COMPLEX IV DEFICIENCY, NUCLEAR TYPE 5. Identifiers: Orphanet 70472, MedGen C1857355, MONDO:0009069, OMIM 220111.

Submissions (2):

Baylor Genetics
Classification: Likely pathogenic for Congenital lactic acidosis, Saguenay-Lac-Saint-Jean type. Last evaluated: 2023-08-09. Review status: criteria provided, single submitter. Criteria: ACMG Guidelines, 2015. Collection method: clinical testing. Allele origin: unknown.

Labcorp Genetics (formerly Invitae), Labcorp
Classification: Pathogenic. Last evaluated: 2020-09-15. Review status: criteria provided, single submitter. Criteria: Invitae Variant Classification Sherloc (09022015). Collection method: clinical testing. Allele origin: germline.
Comment: For these reasons, this variant has been classified as Pathogenic. Loss-of-function variants in LRPPRC are known to be pathogenic (PMID: 26510951). This variant has not been reported in the literature in individuals with LRPPRC-related conditions. This variant is not present in population databases (ExAC no frequency). This sequence change creates a premature translational stop signal (p.Glu366Metfs*15) in the LRPPRC gene. It is expected to result in an absent or disrupted protein product.

Literature cited by the submitters: PubMed 26510951 (cited by Labcorp Genetics (formerly Invitae), Labcorp).